The following is an entry in ClinVar:

ClinVar aggregate classification (germline): Uncertain significance (1 of 4 stars; one submission).

Conditions:
Neuropathy, hereditary sensory and autonomic, type 2A (HSAN2A). Also called: HSAN IIA; WNK1-Related HSAN2 (HSAN2A); ACROOSTEOLYSIS, GIACCAI TYPE; ACROOSTEOLYSIS, NEUROGENIC; MORVAN DISEASE; NEUROPATHY, CONGENITAL SENSORY. Identifiers: Orphanet 970, MedGen C2752089, MONDO:0024309, OMIM 201300.
Pseudohypoaldosteronism type 2C (PHA2C). Also called: Pseudohypoaldosteronism Type IIC. Identifiers: Orphanet 757, Orphanet 88940, MedGen C1840391, MONDO:0013778, OMIM 614492.

Allele frequency attached by ClinVar (database versions not stated): TOPMed 0.00001; gnomAD 0.00003.
gnomAD v4.1: 7 of 1,614,022 alleles (0.00043%); highest among the groups gnomAD compares: African/African-American, 0.008%; no homozygotes.

Submission:

Labcorp Genetics (formerly Invitae), Labcorp
Classification: Uncertain significance for Neuropathy, hereditary sensory and autonomic, type 2A; Pseudohypoaldosteronism type 2C. Last evaluated: 2024-05-29. Review status: criteria provided, single submitter. Criteria: Invitae Variant Classification Sherloc (09022015). Collection method: clinical testing. Allele origin: germline.
Comment: This sequence change replaces glutamine, which is neutral and polar, with proline, which is neutral and non-polar, at codon 2086 of the WNK1 protein (p.Gln2086Pro). This variant is present in population databases (no rsID available, gnomAD 0.008%). This variant has not been reported in the literature in individuals affected with WNK1-related conditions. Advanced modeling of protein sequence and biophysical properties (such as structural, functional, and spatial information, amino acid conservation, physicochemical variation, residue mobility, and thermodynamic stability) performed at Invitae indicates that this missense variant is not expected to disrupt WNK1 protein function with a negative predictive value of 95%. In summary, the available evidence is currently insufficient to determine the role of this variant in disease. Therefore, it has been classified as a Variant of Uncertain Significance.

NM_018979.4(WNK1):c.5501A>C (p.Gln1834Pro)

Gene: WNK1 (WNK lysine deficient protein kinase 1; plus strand). Cytogenetic location: 12p13.33.
Variant type: single nucleotide variant.
Coding change: c.5501A>C on transcript NM_018979.4 (MANE Select); coding-DNA position 5501, A replaced by C.
Protein change: p.Gln1834Pro; replaces glutamine 1834 with proline.
Molecular consequence: missense variant.
Genome position (GRCh38, 1-based): chr12:890,505, A>C. VCF-style: chr12-890505-A-C. GRCh37 (hg19) VCF-style: chr12-999671-A-C.
Other names: c.6281A>C, p.Gln2094Pro (NM_001184985.2); c.4760A>C, p.Gln1587Pro (NM_014823.3); c.6257A>C, p.Gln2086Pro (NM_213655.5); short protein forms Q1587P, Q2094P, Q1834P, Q2086P.
Identifiers: ClinVar variation 2927873 (VCV002927873.3), dbSNP rs1057182191, ClinGen allele CA231483057.
Genomic context (GRCh38, chr12:890,505, plus strand): 5'-TTTTACAGCCTGTGTCCATGGCGGCTCCAACAGCAATCACAGAAGCAGGAACACAGCCTC[A>C]GAAGGGTGGTGAGAAACATCCTTCCTCCTTTTATATTACTAATTCCAGCCCTACCCGTAG-3'
Protein context (NP_061852.3, residues 1824-1844): TAITEAGTQP[Gln1834Pro]KGVSQVKEGP